The following is an entry in ClinVar:

NM_000400.4(ERCC2):c.1732A>G (p.Ser578Gly)

Gene: ERCC2 (ERCC excision repair 2, TFIIH core complex helicase subunit; minus strand). Cytogenetic location: 19q13.32.
Variant type: single nucleotide variant.
Coding change: c.1732A>G on transcript NM_000400.4 (MANE Select); coding-DNA position 1732, A replaced by G.
Protein change: p.Ser578Gly; replaces serine 578 with glycine.
Molecular consequence: missense variant.
Genome position (GRCh38, 1-based): chr19:45,353,268, T>C on the plus strand (A>G on the coding strand, the complement: ERCC2 is on the minus strand). VCF-style: chr19-45353268-T-C. GRCh37 (hg19) VCF-style: chr19-45856526-T-C.
Other names: short protein forms S578G.
Identifiers: ClinVar variation 2452349 (VCV002452349.2), dbSNP rs1971889809, ClinGen allele CA406364400.

ClinVar aggregate classification (germline): Uncertain significance (1 of 4 stars; one submission).

Conditions:
Inborn genetic diseases. Identifiers: MedGen C0950123, MeSH D030342.

Allele frequency attached by ClinVar (database versions not stated): TOPMed below 0.00001.

Submission:

Ambry Genetics
Classification: Uncertain significance for Inborn genetic diseases. Last evaluated: 2022-12-16. Review status: criteria provided, single submitter. Criteria: Ambry Variant Classification Scheme 2023. Collection method: clinical testing. Allele origin: germline.
Comment: The p.S578G variant (also known as c.1732A>G), located in coding exon 18 of the ERCC2 gene, results from an A to G substitution at nucleotide position 1732. The serine at codon 578 is replaced by glycine, an amino acid with similar properties. This amino acid position is conserved. In addition, the in silico prediction for this alteration is inconclusive. Since supporting evidence is limited at this time, the clinical significance of this alteration remains unclear.